The following is an entry in ClinVar:

ClinVar aggregate classification (germline): Uncertain significance. Review status: criteria provided, multiple submitters, no conflicts (2 of 4 stars). 2 submissions from 2 submitters: Uncertain significance (2). Last evaluated 2024-09-24.

Conditions:
Hereditary cancer-predisposing syndrome. Also called: Neoplastic Syndromes, Hereditary; Tumor predisposition; Hereditary Cancer Syndrome; Hereditary neoplastic syndrome. Identifiers: Orphanet 140162, MedGen C0027672, MeSH D009386, MONDO:0015356.

Submissions (2):

Color Diagnostics, LLC DBA Color Health
Classification: Uncertain significance for Hereditary cancer-predisposing syndrome. Last evaluated: 2024-09-24. Review status: criteria provided, single submitter. Criteria: ACMG Guidelines, 2015. Collection method: clinical testing. Allele origin: germline.
Comment: This missense variant replaces alanine with valine at codon 530 of the CHEK2 protein. Computational prediction suggests that this variant may not impact protein structure and function. To our knowledge, functional studies have not been reported for this variant. This variant has not been reported in individuals affected with CHEK2-related disorders in the literature. This variant has not been identified in the general population by the Genome Aggregation Database (gnomAD). The available evidence is insufficient to determine the role of this variant in disease conclusively. Therefore, this variant is classified as a Variant of Uncertain Significance.

Ambry Genetics
Classification: Uncertain significance for Hereditary cancer-predisposing syndrome. Last evaluated: 2022-05-06. Review status: criteria provided, single submitter. Criteria: Ambry Variant Classification Scheme 2023. Collection method: clinical testing. Allele origin: germline.
Comment: The p.A530V variant (also known as c.1589C>T), located in coding exon 14 of the CHEK2 gene, results from a C to T substitution at nucleotide position 1589. The alanine at codon 530 is replaced by valine, an amino acid with similar properties. This amino acid position is conserved. In addition, this alteration is predicted to be tolerated by in silico analysis. Since supporting evidence is limited at this time, the clinical significance of this alteration remains unclear.

NM_007194.4(CHEK2):c.1589C>T (p.Ala530Val)

Gene: CHEK2 (checkpoint kinase 2; minus strand). Cytogenetic location: 22q12.1.
Variant type: single nucleotide variant.
Coding change: c.1589C>T on transcript NM_007194.4 (MANE Select); coding-DNA position 1589, C replaced by T.
Protein change: p.Ala530Val; replaces alanine 530 with valine.
Molecular consequence: missense variant.
Genome position (GRCh38, 1-based): chr22:28,687,940, G>A on the plus strand (C>T on the coding strand, the complement: CHEK2 is on the minus strand). VCF-style: chr22-28687940-G-A. GRCh37 (hg19) VCF-style: chr22-29083928-G-A.
Other names: c.1718C>T, p.Ala573Val (NM_001005735.3); c.926C>T, p.Ala309Val (NM_001257387.3); c.1388C>T, p.Ala463Val (NM_001349956.3); c.1502C>T, p.Ala501Val (NM_145862.3); short protein forms A573V, A309V, A530V, A463V, A501V.
Identifiers: ClinVar variation 1775865 (VCV001775865.2), dbSNP rs2145737882, ClinGen allele CA411091166.